The following is an entry in ClinVar:

ClinVar aggregate classification (germline): Likely benign. Review status: criteria provided, single submitter (1 of 4 stars). 2 submissions from 2 submitters: Likely benign (1). 1 of the submissions does not count toward it. Last evaluated 2018-07-09.

Conditions:
SH2B1-related disorder. Also called: SH2B1-related condition.

Allele frequency attached by ClinVar (database versions not stated): TOPMed 0.00001; ExAC 0.00002; gnomAD exomes 0.00002 and 0.00003.
gnomAD v4.1: 48 of 1,612,892 alleles (0.003%); highest among the groups gnomAD compares: Middle Eastern, 0.017%; no homozygotes.

Submissions (2):

Labcorp Genetics (formerly Invitae), Labcorp
Classification: Likely benign. Last evaluated: 2018-07-09. Review status: criteria provided, single submitter. Criteria: Invitae Variant Classification Sherloc (09022015). Collection method: clinical testing. Allele origin: germline.

PreventionGenetics, part of Exact Sciences
Classification: Likely benign for SH2B1-related condition. Last evaluated: 2021-01-22. Review status: no assertion criteria provided. Collection method: clinical testing. Allele origin: germline. Not counted in ClinVar's aggregate classification.
Comment: This variant is classified as likely benign based on ACMG/AMP sequence variant interpretation guidelines (Richards et al. 2015 PMID: 25741868, with internal and published modifications).

NM_001387430.1(SH2B1):c.264G>A (p.Ser88=)

Gene: SH2B1 (SH2B adaptor protein 1; plus strand). Cytogenetic location: 16p11.2.
Variant type: single nucleotide variant.
Coding change: c.264G>A on transcript NM_001387430.1 (MANE Select); coding-DNA position 264, G replaced by A.
Protein change: p.Ser88=; no amino-acid change (serine 88 retained).
Molecular consequence: synonymous variant. On other transcripts: intron variant (1).
Genome position (GRCh38, 1-based): chr16:28,866,358, G>A. VCF-style: chr16-28866358-G-A. GRCh37 (hg19) VCF-style: chr16-28877679-G-A.
Other names: c.264G>A, p.Ser88= (NM_001145795.2, NM_001145796.2, NM_001145797.2 and 4 more transcripts); c.-26-1016G>A (NM_001308294.2).
Identifiers: ClinVar variation 757356 (VCV000757356.4), dbSNP rs775649301, ClinGen allele CA7985887.